The following is an entry in ClinVar:

NM_005732.4(RAD50):c.2060T>C (p.Val687Ala)

Gene: RAD50 (RAD50 double strand break repair protein; plus strand). Cytogenetic location: 5q31.1.
Variant type: single nucleotide variant.
Coding change: c.2060T>C on transcript NM_005732.4 (MANE Select); coding-DNA position 2060, T replaced by C.
Protein change: p.Val687Ala; replaces valine 687 with alanine.
Molecular consequence: missense variant.
Genome position (GRCh38, 1-based): chr5:132,595,663, T>C. VCF-style: chr5-132595663-T-C. GRCh37 (hg19) VCF-style: chr5-131931355-T-C.
Other names: c.2060T>C (NM_005732.3); short protein forms V687A.
Identifiers: ClinVar variation 2100171 (VCV002100171.5), dbSNP rs1362163957, ClinGen allele CA360949710.

ClinVar aggregate classification (germline): Uncertain significance. Review status: criteria provided, multiple submitters, no conflicts (2 of 4 stars). 2 submissions from 2 submitters: Uncertain significance (2). Last evaluated 2024-10-14.

Conditions:
Hereditary cancer-predisposing syndrome. Also called: Hereditary Cancer Syndrome; Tumor predisposition; Neoplastic Syndromes, Hereditary; Hereditary neoplastic syndrome. Identifiers: Orphanet 140162, MedGen C0027672, MeSH D009386, MONDO:0015356.

Allele frequency attached by ClinVar (database versions not stated): gnomAD exomes below 0.00001.
gnomAD v4.1: 1 of 1,613,204 alleles (0.000062%); highest among the groups gnomAD compares: Admixed American, 0.0017%; no homozygotes.

Submissions (2):

Ambry Genetics
Classification: Uncertain significance for Hereditary cancer-predisposing syndrome. Last evaluated: 2024-10-14. Review status: criteria provided, single submitter. Criteria: Ambry Variant Classification Scheme 2023. Collection method: clinical testing. Allele origin: germline.
Comment: The p.V687A variant (also known as c.2060T>C), located in coding exon 13 of the RAD50 gene, results from a T to C substitution at nucleotide position 2060. The valine at codon 687 is replaced by alanine, an amino acid with similar properties. This amino acid position is conserved. In addition, this alteration is predicted to be tolerated by in silico analysis. Based on the available evidence, the clinical significance of this variant remains unclear.

Labcorp Genetics (formerly Invitae), Labcorp
Classification: Uncertain significance for Hereditary cancer-predisposing syndrome. Last evaluated: 2023-01-11. Review status: criteria provided, single submitter. Criteria: Invitae Variant Classification Sherloc (09022015). Collection method: clinical testing. Allele origin: germline.
Comment: Advanced modeling of protein sequence and biophysical properties (such as structural, functional, and spatial information, amino acid conservation, physicochemical variation, residue mobility, and thermodynamic stability) performed at Invitae indicates that this missense variant is not expected to disrupt RAD50 protein function. In summary, the available evidence is currently insufficient to determine the role of this variant in disease. Therefore, it has been classified as a Variant of Uncertain Significance. This variant has not been reported in the literature in individuals affected with RAD50-related conditions. This variant is present in population databases (no rsID available, gnomAD 0.003%). This sequence change replaces valine, which is neutral and non-polar, with alanine, which is neutral and non-polar, at codon 687 of the RAD50 protein (p.Val687Ala).